The following is an entry in ClinVar:

ClinVar aggregate classification (germline): Uncertain significance. Review status: criteria provided, multiple submitters, no conflicts (2 of 4 stars). 2 submissions from 2 submitters: Uncertain significance (2). Last evaluated 2024-08-05.

Allele frequency attached by ClinVar (database versions not stated): TOPMed below 0.00001; gnomAD 0.00001; gnomAD exomes 0.00001 and 0.00002; ExAC 0.00002.
gnomAD v4.1: 18 of 1,614,008 alleles (0.0011%); highest among the groups gnomAD compares: East Asian, 0.0022%; no homozygotes.

Submissions (2):

Labcorp Genetics (formerly Invitae), Labcorp
Classification: Uncertain significance. Last evaluated: 2024-08-05. Review status: criteria provided, single submitter. Criteria: Invitae Variant Classification Sherloc (09022015). Collection method: clinical testing. Allele origin: germline.
Comment: This sequence change replaces arginine, which is basic and polar, with glutamine, which is neutral and polar, at codon 108 of the RDH11 protein (p.Arg108Gln). This variant is present in population databases (rs765716507, gnomAD 0.002%). This variant has not been reported in the literature in individuals affected with RDH11-related conditions. ClinVar contains an entry for this variant (Variation ID: 1525921). An algorithm developed to predict the effect of missense changes on protein structure and function (PolyPhen-2) suggests that this variant is likely to be disruptive. In summary, the available evidence is currently insufficient to determine the role of this variant in disease. Therefore, it has been classified as a Variant of Uncertain Significance.

Ambry Genetics
Classification: Uncertain significance. Last evaluated: 2023-12-22. Review status: criteria provided, single submitter. Criteria: Ambry Variant Classification Scheme 2023. Collection method: clinical testing. Allele origin: germline.

NM_016026.4(RDH11):c.323G>A (p.Arg108Gln)

Genes: GPHN (gephyrin; plus strand), RDH11 (retinol dehydrogenase 11; minus strand). Cytogenetic location: 14q24.1.
Variant type: single nucleotide variant.
Coding change: c.323G>A on transcript NM_016026.4 (MANE Select); coding-DNA position 323, G replaced by A.
Protein change: p.Arg108Gln; replaces arginine 108 with glutamine.
Molecular consequence: missense variant.
Genome position (GRCh38, 1-based): chr14:67,692,464, C>T on the plus strand (G>A on the coding strand, the complement: RDH11 is on the minus strand). VCF-style: chr14-67692464-C-T. GRCh37 (hg19) VCF-style: chr14-68159181-C-T.
Other names: c.323G>A, p.Arg108Gln (NM_001252650.2); c.323G>A (NM_016026.3); short protein forms R108Q.
Identifiers: ClinVar variation 1525921 (VCV001525921.9), dbSNP rs765716507, ClinGen allele CA7238438.